The following is an entry in ClinVar:

NM_000268.4(NF2):c.974C>G (p.Ala325Gly)

Gene: NF2 (NF2, moesin-ezrin-radixin like (MERLIN) tumor suppressor; plus strand). Cytogenetic location: 22q12.2.
Variant type: single nucleotide variant.
Coding change: c.974C>G on transcript NM_000268.4 (MANE Select); coding-DNA position 974, C replaced by G.
Protein change: p.Ala325Gly; replaces alanine 325 with glycine.
Molecular consequence: missense variant. On other transcripts: non-coding transcript variant (1), intron variant (1).
Genome position (GRCh38, 1-based): chr22:29,668,421, C>G. VCF-style: chr22-29668421-C-G. GRCh37 (hg19) VCF-style: chr22-30064410-C-G.
Other names: c.860C>G, p.Ala287Gly (NM_001407053.1, NM_001407056.1); c.851C>G, p.Ala284Gly (NM_001407054.1, NM_181829.3, NM_001407058.1); c.848C>G, p.Ala283Gly (NM_001407055.1, NM_181828.3); c.839C>G, p.Ala280Gly (NM_001407057.1, NM_001407059.1); c.974C>G, p.Ala325Gly (NM_181825.3, NM_181832.3, NM_001407060.1 and 2 more transcripts); c.725C>G, p.Ala242Gly (NM_181830.3, NM_181831.3, NM_001407063.1 and 1 more transcripts); c.447+26136C>G (NM_181833.3); c.716C>G, p.Ala239Gly (NM_001407062.1); and 2 more; short protein forms A147G, A239G, A242G, A248G, A280G, A283G, A284G, A287G.
Identifiers: ClinVar variation 4861025 (VCV004861025.1).

ClinVar aggregate classification (germline): Uncertain significance (1 of 4 stars; one submission).

Conditions:
Hereditary cancer-predisposing syndrome. Also called: Neoplastic Syndromes, Hereditary; Tumor predisposition; Hereditary Cancer Syndrome; Hereditary neoplastic syndrome. Identifiers: Orphanet 140162, MedGen C0027672, MeSH D009386, MONDO:0015356.

Submission:

Ambry Genetics
Classification: Uncertain significance for Hereditary cancer-predisposing syndrome. Last evaluated: 2026-05-21. Review status: criteria provided, single submitter. Criteria: Ambry Variant Classification Scheme 2023. Collection method: clinical testing. Allele origin: germline.
Comment: The p.A325G variant (also known as c.974C>G), located in coding exon 10 of the NF2 gene, results from a C to G substitution at nucleotide position 974. The alanine at codon 325 is replaced by glycine, an amino acid with similar properties. This amino acid position is conserved. In addition, the in silico prediction for this alteration is inconclusive. Based on the available evidence, the clinical significance of this variant remains unclear.